The following is an entry in ClinVar:

ClinVar aggregate classification (germline): Uncertain significance. Review status: criteria provided, multiple submitters, no conflicts (2 of 4 stars). 2 submissions from 2 submitters: Uncertain significance (2). Last evaluated 2023-11-14.

Allele frequency attached by ClinVar (database versions not stated): 1000 Genomes Project 0.00020; 1000 Genomes Project 30x 0.00031.

Submissions (2):

Labcorp Genetics (formerly Invitae), Labcorp
Classification: Uncertain significance. Last evaluated: 2023-11-14. Review status: criteria provided, single submitter. Criteria: Invitae Variant Classification Sherloc (09022015). Collection method: clinical testing. Allele origin: germline.
Comment: This sequence change replaces proline, which is neutral and non-polar, with leucine, which is neutral and non-polar, at codon 1008 of the ZNF335 protein (p.Pro1008Leu). This variant is present in population databases (rs556571682, gnomAD 0.003%). This variant has not been reported in the literature in individuals affected with ZNF335-related conditions. Advanced modeling of protein sequence and biophysical properties (such as structural, functional, and spatial information, amino acid conservation, physicochemical variation, residue mobility, and thermodynamic stability) performed at Invitae indicates that this missense variant is not expected to disrupt ZNF335 protein function with a negative predictive value of 80%. In summary, the available evidence is currently insufficient to determine the role of this variant in disease. Therefore, it has been classified as a Variant of Uncertain Significance.

GeneDx
Classification: Uncertain significance. Last evaluated: 2023-07-18. Review status: criteria provided, single submitter. Criteria: GeneDx Variant Classification Process June 2021. Collection method: clinical testing. Allele origin: germline. Affected: yes.
Comment: Not observed at significant frequency in large population cohorts (gnomAD); In silico analysis supports that this missense variant does not alter protein structure/function; Has not been previously published as pathogenic or benign to our knowledge

NM_022095.4(ZNF335):c.3023C>T (p.Pro1008Leu)

Gene: ZNF335 (zinc finger protein 335; minus strand). Cytogenetic location: 20q13.12.
Variant type: single nucleotide variant.
Coding change: c.3023C>T on transcript NM_022095.4 (MANE Select); coding-DNA position 3023, C replaced by T.
Protein change: p.Pro1008Leu; replaces proline 1008 with leucine.
Molecular consequence: missense variant.
Genome position (GRCh38, 1-based): chr20:45,952,313, G>A on the plus strand (C>T on the coding strand, the complement: ZNF335 is on the minus strand). VCF-style: chr20-45952313-G-A. GRCh37 (hg19) VCF-style: chr20-44580952-G-A.
Other names: c.3023C>T (NM_022095.3); short protein forms P1008L.
Identifiers: ClinVar variation 2977763 (VCV002977763.2), dbSNP rs556571682, ClinGen allele CA9885173.